The following is an entry in ClinVar:

NM_006031.6(PCNT):c.7655G>A (p.Arg2552His)

Gene: PCNT (pericentrin; plus strand). Cytogenetic location: 21q22.3.
Variant type: single nucleotide variant.
Coding change: c.7655G>A on transcript NM_006031.6 (MANE Select); coding-DNA position 7655, G replaced by A.
Protein change: p.Arg2552His; replaces arginine 2552 with histidine.
Molecular consequence: missense variant.
Genome position (GRCh38, 1-based): chr21:46,428,555, G>A. VCF-style: chr21-46428555-G-A. GRCh37 (hg19) VCF-style: chr21-47848469-G-A.
Other names: c.7301G>A, p.Arg2434His (NM_001315529.2); short protein forms R2552H, R2434H.
Identifiers: ClinVar variation 159661 (VCV000159661.16), dbSNP rs199589423, ClinGen allele CA251110.

ClinVar aggregate classification (germline): Uncertain significance. Review status: criteria provided, multiple submitters, no conflicts (2 of 4 stars). 4 submissions from 4 submitters: Uncertain significance (3). 1 of the submissions does not count toward it. Last evaluated 2022-07-11.

Conditions:
PCNT-related disorder. Also called: PCNT-related condition.
Microcephalic osteodysplastic primordial dwarfism type II (MOPD2). Also called: Microcephalic osteodysplastic primordial dwarfism with tooth abnormalities; MOPD II; OSTEODYSPLASTIC PRIMORDIAL DWARFISM, TYPE II. Identifiers: Orphanet 2637, MedGen C0432246, MONDO:0008872, OMIM 210720.

Allele frequency attached by ClinVar (database versions not stated): gnomAD exomes 0.00019; ExAC 0.00025; ESP Exome Variant Server 0.00039; TOPMed 0.00051; gnomAD 0.00061 and 0.00063; 1000 Genomes Project 0.00100; 1000 Genomes Project 30x 0.00109.
gnomAD v4.1: 212 of 1,605,800 alleles (0.013%); highest among the groups gnomAD compares: African/African-American, 0.17%; no homozygotes.

Submissions (4):

Labcorp Genetics (formerly Invitae), Labcorp
Classification: Uncertain significance. Last evaluated: 2022-07-11. Review status: criteria provided, single submitter. Criteria: Invitae Variant Classification Sherloc (09022015). Collection method: clinical testing. Allele origin: germline.
Comment: This sequence change replaces arginine, which is basic and polar, with histidine, which is basic and polar, at codon 2552 of the PCNT protein (p.Arg2552His). This variant is present in population databases (rs199589423, gnomAD 0.2%). This variant has not been reported in the literature in individuals affected with PCNT-related conditions. ClinVar contains an entry for this variant (Variation ID: 159661). Algorithms developed to predict the effect of missense changes on protein structure and function output the following: SIFT: "Tolerated"; PolyPhen-2: "Benign"; Align-GVGD: "Class C0". The histidine amino acid residue is found in multiple mammalian species, which suggests that this missense change does not adversely affect protein function. In summary, the available evidence is currently insufficient to determine the role of this variant in disease. Therefore, it has been classified as a Variant of Uncertain Significance.

Eurofins Ntd Llc (ga)
Classification: Uncertain significance. Last evaluated: 2017-05-11. Review status: criteria provided, single submitter. Criteria: EGL Classification Definitions 2015. Collection method: clinical testing. Allele origin: germline.

Genetic Services Laboratory, University of Chicago
Classification: Uncertain significance for Microcephalic osteodysplastic primordial dwarfism, type II. Last evaluated: 2013-02-08. Review status: criteria provided, single submitter. Criteria: ACMG Guidelines, 2007. Collection method: clinical testing. Allele origin: germline. Inheritance: Autosomal recessive inheritance.

PreventionGenetics, part of Exact Sciences
Classification: Likely benign for PCNT-related condition. Last evaluated: 2022-02-27. Review status: no assertion criteria provided. Collection method: clinical testing. Allele origin: germline. Not counted in ClinVar's aggregate classification.
Comment: This variant is classified as likely benign based on ACMG/AMP sequence variant interpretation guidelines (Richards et al. 2015 PMID: 25741868, with internal and published modifications).